The following is an entry in ClinVar:

NM_000416.3(IFNGR1):c.379A>C (p.Ile127Leu)

Gene: IFNGR1 (interferon gamma receptor 1; minus strand). Cytogenetic location: 6q23.3.
Variant type: single nucleotide variant.
Coding change: c.379A>C on transcript NM_000416.3 (MANE Select); coding-DNA position 379, A replaced by C.
Protein change: p.Ile127Leu; replaces isoleucine 127 with leucine.
Molecular consequence: missense variant.
Genome position (GRCh38, 1-based): chr6:137,204,499, T>G on the plus strand (A>C on the coding strand, the complement: IFNGR1 is on the minus strand). VCF-style: chr6-137204499-T-G. GRCh37 (hg19) VCF-style: chr6-137525636-T-G.
Other names: c.349A>C, p.Ile117Leu (NM_001363526.1); c.256A>C, p.Ile86Leu (NM_001363527.1); short protein forms I127L, I117L, I86L.
Identifiers: ClinVar variation 1921133 (VCV001921133.5), dbSNP rs911137606, ClinGen allele CA148229903.

ClinVar aggregate classification (germline): Uncertain significance (1 of 4 stars; one submission).

Conditions:
Disseminated atypical mycobacterial infection. Identifiers: MedGen C0694566.

Allele frequency attached by ClinVar (database versions not stated): TOPMed below 0.00001.

Submission:

Labcorp Genetics (formerly Invitae), Labcorp
Classification: Uncertain significance for Disseminated atypical mycobacterial infection. Last evaluated: 2024-11-18. Review status: criteria provided, single submitter. Criteria: Invitae Variant Classification Sherloc (09022015). Collection method: clinical testing. Allele origin: germline.
Comment: This sequence change replaces isoleucine, which is neutral and non-polar, with leucine, which is neutral and non-polar, at codon 127 of the IFNGR1 protein (p.Ile127Leu). This variant is not present in population databases (gnomAD no frequency). This variant has not been reported in the literature in individuals affected with IFNGR1-related conditions. ClinVar contains an entry for this variant (Variation ID: 1921133). Invitae Evidence Modeling of protein sequence and biophysical properties (such as structural, functional, and spatial information, amino acid conservation, physicochemical variation, residue mobility, and thermodynamic stability) indicates that this missense variant is not expected to disrupt IFNGR1 protein function with a negative predictive value of 80%. In summary, the available evidence is currently insufficient to determine the role of this variant in disease. Therefore, it has been classified as a Variant of Uncertain Significance.